The following is an entry in ClinVar:

NM_001267550.2(TTN):c.48542dup (p.Asn16181fs)

Genes: TTN (titin; minus strand), TTN-AS1 (TTN antisense RNA 1; plus strand). Cytogenetic location: 2q31.2.
Variant type: Duplication.
Coding change: c.48542dup on transcript NM_001267550.2 (MANE Select); coding-DNA position 48542, one base duplicated (A; older notation c.48542dupA).
Protein change: p.Asn16181fs; shifts the reading frame from asparagine 16181.
Molecular consequence: frameshift variant.
Genome position (GRCh38, 1-based): chr2:178,615,403, T duplicated on the plus strand (A on the coding strand, the reverse complement: TTN is on the minus strand); the first of 5 consecutive T bases (chr2:178,615,403-178,615,407); duplicating any one gives the same sequence. VCF-style (leftmost placement, unchanged base first): chr2-178615402-A-AT. GRCh37 (hg19) VCF-style: chr2-179480129-A-AT.
Other names: c.43619dup, p.Asn14540fs (NM_001256850.1); c.21347dup, p.Asn7116fs (NM_003319.4); c.40838dup, p.Asn13613fs (NM_133378.4); c.21722dup, p.Asn7241fs (NM_133432.3); c.21923dup, p.Asn7308fs (NM_133437.4); c.48542dupA (NM_001267550.2); short protein forms N13613fs, N14540fs, N16181fs, N7308fs, N7116fs, N7241fs.
Identifiers: ClinVar variation 663757 (VCV000663757.11), dbSNP rs1576472316, ClinGen allele CA915942241.

ClinVar aggregate classification (germline): Likely pathogenic (1 of 4 stars; one submission).

Conditions:
Autosomal recessive limb-girdle muscular dystrophy type 2J (LGMDR10). Also called: Limb-girdle muscular dystrophy, type 2J; MUSCULAR DYSTROPHY, LIMB-GIRDLE, AUTOSOMAL RECESSIVE 10. Identifiers: Orphanet 140922, MedGen C1837342, MONDO:0012127, OMIM 608807.
Dilated cardiomyopathy 1G (CMD1G). Identifiers: Orphanet 154, MedGen C1858763, MONDO:0011400, OMIM 604145.

Submission:

Labcorp Genetics (formerly Invitae), Labcorp
Classification: Likely pathogenic for Dilated cardiomyopathy 1G; Autosomal recessive limb-girdle muscular dystrophy type 2J. Last evaluated: 2019-02-01. Review status: criteria provided, single submitter. Criteria: Invitae Variant Classification Sherloc (09022015). Collection method: clinical testing. Allele origin: germline.
Comment: Experimental studies and prediction algorithms are not available for this variant, and the functional significance of the affected amino acids is currently unknown. This sequence change results in a premature translational stop signal in the TTN gene (p.Asn16181Lysfs*2). While this is not anticipated to result in nonsense mediated decay, it is expected to create a truncated TTN protein. This variant is not present in population databases (ExAC no frequency). This variant has not been reported in the literature in individuals with TTN-related disease. This variant is located in the A band of TTN (PMID: 25589632). Truncating variants in this region are significantly overrepresented in patients affected with dilated cardiomyopathy (PMID: 25589632). Truncating variants in this region have also been reported in individuals affected with autosomal recessive centronuclear myopathy (PMID: 23975875). In summary, the currently available evidence indicates that the variant is pathogenic, but additional data are needed to prove that conclusively. Therefore, this variant has been classified as Likely Pathogenic.

Literature cited by the submitters: PubMed 25589632; PubMed 23975875.